The following is an entry in ClinVar:

ClinVar aggregate classification (germline): Pathogenic (1 of 4 stars; one submission).

Conditions:
Tyrosinemia type II (TYRSN2). Also called: KERATOSIS PALMOPLANTARIS WITH CORNEAL DYSTROPHY; OREGON TYPE TYROSINEMIA; TAT DEFICIENCY; TYROSINE AMINOTRANSFERASE DEFICIENCY; TYROSINE TRANSAMINASE DEFICIENCY. Identifiers: Orphanet 28378, MedGen C0268487, MONDO:0010160, OMIM 276600.

Submission:

Myriad Genetics, Inc.
Classification: Pathogenic for Tyrosinemia type II. Last evaluated: 2023-09-27. Review status: criteria provided, single submitter. Criteria: Myriad Autosomal Dominant, Autosomal Recessive and X-Linked Classification Criteria (2023). Collection method: clinical testing. Allele origin: unknown.
Comment: NM_000353.2(TAT):c.364dupA(I122Nfs*9) is expected to be pathogenic in the context of tyrosinemia type II. This variant is predicted to lead to an abnormal or absent protein product due to the creation of a premature termination codon in TAT, a gene where loss-of-function variants are known to be pathogenic. Please note: this variant was assessed in the context of healthy population screening.

NM_000353.3(TAT):c.364dup (p.Ile122fs)

Gene: TAT (tyrosine aminotransferase; minus strand). Cytogenetic location: 16q22.2.
Variant type: Duplication.
Coding change: c.364dup on transcript NM_000353.3 (MANE Select); coding-DNA position 364, one base duplicated (A; older notation c.364dupA).
Protein change: p.Ile122fs; shifts the reading frame from isoleucine 122.
Molecular consequence: frameshift variant.
Genome position (GRCh38, 1-based): chr16:71,573,583, T duplicated on the plus strand (A on the coding strand, the reverse complement: TAT is on the minus strand). VCF-style (leftmost placement, unchanged base first): chr16-71573582-A-AT. GRCh37 (hg19) VCF-style: chr16-71607485-A-AT.
Other names: short protein forms I122fs.
Identifiers: ClinVar variation 5011896 (VCV005011896.1).